The following is an entry in ClinVar:

ClinVar aggregate classification (germline): Uncertain significance. Review status: criteria provided, multiple submitters, no conflicts (2 of 4 stars). 6 submissions from 6 submitters: Uncertain significance (6). Last evaluated 2025-08-14.

Conditions:
Loeys-Dietz syndrome 4 (LDS4). Also called: ANEURYSM, AORTIC AND CEREBRAL, WITH ARTERIAL TORTUOSITY AND SKELETAL MANIFESTATIONS; TGFB2-Related Loeys-Dietz Syndrome. Identifiers: MedGen C3553762, MONDO:0013897, OMIM 614816.
Familial thoracic aortic aneurysm and aortic dissection (TAAD). Also called: Thoracic aortic aneurysms and dissections. Identifiers: Orphanet 91387, MedGen C4707243, MONDO:0019625.

Allele frequency attached by ClinVar (database versions not stated): ExAC 0.00001; gnomAD exomes 0.00001 and 0.00002.
gnomAD v4.1: 28 of 1,614,156 alleles (0.0017%); highest among the groups gnomAD compares: East Asian, 0.0089%; no homozygotes.

Submissions (6):

GeneDx
Classification: Uncertain significance. Last evaluated: 2025-08-14. Review status: criteria provided, single submitter. Criteria: GeneDx Variant Classification Process June 2021. Collection method: clinical testing. Allele origin: germline. Affected: yes.
Comment: Not observed at significant frequency in large population cohorts (gnomAD); In silico analysis suggests that this missense variant does not alter protein structure/function; Has not been previously published as pathogenic or benign to our knowledge

Labcorp Genetics (formerly Invitae), Labcorp
Classification: Uncertain significance for Loeys-Dietz syndrome 4. Last evaluated: 2024-01-16. Review status: criteria provided, single submitter. Criteria: Invitae Variant Classification Sherloc (09022015). Collection method: clinical testing. Allele origin: germline.
Comment: This sequence change replaces glutamic acid, which is acidic and polar, with lysine, which is basic and polar, at codon 197 of the TGFB2 protein (p.Glu197Lys). This variant is present in population databases (rs764028978, gnomAD 0.002%). This variant has not been reported in the literature in individuals affected with TGFB2-related conditions. ClinVar contains an entry for this variant (Variation ID: 295490). Advanced modeling of protein sequence and biophysical properties (such as structural, functional, and spatial information, amino acid conservation, physicochemical variation, residue mobility, and thermodynamic stability) performed at Invitae indicates that this missense variant is not expected to disrupt TGFB2 protein function with a negative predictive value of 95%. In summary, the available evidence is currently insufficient to determine the role of this variant in disease. Therefore, it has been classified as a Variant of Uncertain Significance.

Victorian Clinical Genetics Services, Murdoch Childrens Research Institute
Classification: Uncertain significance for Loeys-Dietz syndrome 4. Last evaluated: 2022-03-31. Review status: criteria provided, single submitter. Criteria: ACMG Guidelines, 2015. Collection method: clinical testing. Allele origin: germline. Inheritance: Autosomal dominant inheritance. Affected: yes.
Comment: Based on the classification scheme VCGS_Germline_v1.3.4, this variant is classified as VUS-3B. Following criteria are met: 0102 - Loss of function is a known mechanism of disease in this gene and is associated with Loeys-Dietz syndrome 4 (MIM#614816). (I) 0107 - This gene is associated with autosomal dominant disease. (I) 0200 - Variant is predicted to result in a missense amino acid change from glutamic acid to lysine. (I) 0251 - This variant is heterozygous. (I) 0302 - Variant is present in gnomAD (v2) <0.001 for a dominant condition (2 heterozygotes, 0 homozygotes). (SP) 0502 - Missense variant with conflicting in silico predictions and uninformative conservation. (I) 0600 - Variant is located in the annotated TGF-beta propeptide domain (DECIPHER). (I) 0705 - No comparable missense variants have previous evidence for pathogenicity. (I) 0809 - Previous evidence of pathogenicity for this variant is inconclusive. This variant has been reported twice as a VUS (ClinVar). (I) 0905 - No published segregation evidence has been identified for this variant. (I) 1007 - No published functional evidence has been identified for this variant. (I) 1208 - Inheritance information for this variant is not currently available in this individual. (I) Legend: (SP) - Supporting pathogenic, (I) - Information, (SB) - Supporting benign

Blueprint Genetics
Classification: Uncertain significance. Last evaluated: 2022-02-01. Review status: criteria provided, single submitter. Criteria: ACMG Guidelines, 2015. Collection method: clinical testing. Allele origin: germline.

Ambry Genetics
Classification: Uncertain significance for Familial thoracic aortic aneurysm and aortic dissection. Last evaluated: 2021-10-29. Review status: criteria provided, single submitter. Criteria: Ambry Variant Classification Scheme 2023. Collection method: clinical testing. Allele origin: germline.
Comment: The p.E197K variant (also known as c.589G>A), located in coding exon 3 of the TGFB2 gene, results from a G to A substitution at nucleotide position 589. The glutamic acid at codon 197 is replaced by lysine, an amino acid with similar properties. This amino acid position is conserved. In addition, the in silico prediction for this alteration is inconclusive. Since supporting evidence is limited at this time, the clinical significance of this alteration remains unclear.

Illumina Laboratory Services, Illumina
Classification: Uncertain significance for Loeys-Dietz syndrome 4. Last evaluated: 2018-01-12. Review status: criteria provided, single submitter. Criteria: ICSL Variant Classification Criteria 13 December 2019. Collection method: clinical testing. Allele origin: germline.

NM_003238.6(TGFB2):c.589G>A (p.Glu197Lys)

Gene: TGFB2 (transforming growth factor beta 2; plus strand). Cytogenetic location: 1q41.
Variant type: single nucleotide variant.
Coding change: c.589G>A on transcript NM_003238.6 (MANE Select); coding-DNA position 589, G replaced by A.
Protein change: p.Glu197Lys; replaces glutamic acid 197 with lysine.
Molecular consequence: missense variant. On other transcripts: non-coding transcript variant (2).
Genome position (GRCh38, 1-based): chr1:218,434,160, G>A. VCF-style: chr1-218434160-G-A. GRCh37 (hg19) VCF-style: chr1-218607502-G-A.
Other names: c.673G>A, p.Glu225Lys (NM_001135599.4); short protein forms E197K, E225K.
Identifiers: ClinVar variation 295490 (VCV000295490.20), dbSNP rs764028978, ClinGen allele CA1398548.